The following is an entry in ClinVar:

NM_000275.3(OCA2):c.1081C>G (p.Leu361Val)

Gene: OCA2 (OCA2 melanosomal transmembrane protein; minus strand). Cytogenetic location: 15q13.1.
Variant type: single nucleotide variant.
Coding change: c.1081C>G on transcript NM_000275.3 (MANE Select); coding-DNA position 1081, C replaced by G.
Protein change: p.Leu361Val; replaces leucine 361 with valine.
Molecular consequence: missense variant. On other transcripts: intron variant (1).
Genome position (GRCh38, 1-based): chr15:27,990,611, G>C on the plus strand (C>G on the coding strand, the complement: OCA2 is on the minus strand). VCF-style: chr15-27990611-G-C. GRCh37 (hg19) VCF-style: chr15-28235757-G-C.
Other names: c.1045-945C>G (NM_001300984.2); short protein forms L361V.
Identifiers: ClinVar variation 4077166 (VCV004077166.2).

ClinVar aggregate classification (germline): Conflicting classifications of pathogenicity. Review status: criteria provided, conflicting classifications (1 of 4 stars). 2 submissions from 2 submitters: Likely pathogenic (1); Uncertain significance (1). Last evaluated 2025-09-24.

Conditions:
Tyrosinase-positive oculocutaneous albinism (OCA2). Also called: ALBINISM II; Oculocutaneous albinism type 2; Albinism, oculocutaneous, type II. Identifiers: Orphanet 79432, MedGen C0268495, MONDO:0008746, OMIM 203200.

gnomAD v4.1: 10 of 1,613,978 alleles (0.00062%); highest among the groups gnomAD compares: Non-Finnish European, 0.00085%; no homozygotes.

Submissions (2):

Genesolutions, Medical Genetics Institutes, Ho Chi Minh City, Vietnam
Classification: Uncertain significance for Tyrosinase-positive oculocutaneous albinism. Last evaluated: 2025-09-24. Review status: criteria provided, single submitter. Criteria: ACMG Guidelines, 2015. Collection method: clinical testing. Allele origin: germline. Affected: yes.

Laboratoire de Génétique Moléculaire, CHU Bordeaux
Classification: Likely pathogenic for Tyrosinase-positive oculocutaneous albinism. Last evaluated: 2025-08-29. Review status: criteria provided, single submitter. Criteria: ACMG Guidelines, 2015. Collection method: clinical testing. Allele origin: inherited. Inheritance: Autosomal recessive inheritance. Affected: yes. Observed: 1 compound heterozygote.
Comment: Functional studies showed an effect with an increase in exon 10 skipping.

Literature cited by the submitters: PubMed 37650133 (cited by Laboratoire de Génétique Moléculaire, CHU Bordeaux).